The following is an entry in ClinVar:

NM_025077.4(TOE1):c.1016G>A (p.Arg339Gln)

Gene: TOE1 (target of EGR1, exonuclease; plus strand). Cytogenetic location: 1p34.1.
Variant type: single nucleotide variant.
Coding change: c.1016G>A on transcript NM_025077.4 (MANE Select); coding-DNA position 1016, G replaced by A.
Protein change: p.Arg339Gln; replaces arginine 339 with glutamine.
Molecular consequence: missense variant.
Genome position (GRCh38, 1-based): chr1:45,343,185, G>A. VCF-style: chr1-45343185-G-A. GRCh37 (hg19) VCF-style: chr1-45808857-G-A.
Other names: short protein forms R339Q.
Identifiers: ClinVar variation 1312238 (VCV001312238.2), dbSNP rs776880897, ClinGen allele CA826758.
Genomic context (GRCh38, chr1:45,343,185, plus strand): 5'-ACGATATTGACCTTATCATTGACACTGATGAGGCTGCGGCAGAGGACAAGCGGCGACGGC[G>A]ACGACGTAGGGAAAAACGGAAGAGGGCTTTATTGAACCTACCGGGGACACAGACCTCTGG-3'
Protein context (NP_079353.3, residues 329-349): EAAAEDKRRR[Arg339Gln]RRREKRKRAL

ClinVar aggregate classification (germline): Uncertain significance (1 of 4 stars; one submission).

Allele frequency attached by ClinVar (database versions not stated): gnomAD 0.00001; gnomAD exomes 0.00001 and 0.00002; ExAC 0.00002.

Submission:

GeneDx
Classification: Uncertain significance. Last evaluated: 2019-09-24. Review status: criteria provided, single submitter. Criteria: GeneDx Variant Classification Process June 2021. Collection method: clinical testing. Allele origin: germline. Affected: yes.
Comment: In silico analysis, which includes protein predictors and evolutionary conservation, supports that this variant does not alter protein structure/function; Has not been previously published as pathogenic or benign to our knowledge